The following is an entry in ClinVar:

ClinVar aggregate classification (germline): Benign/Likely benign. Review status: criteria provided, multiple submitters, no conflicts (2 of 4 stars). 3 submissions from 3 submitters: Benign (1); Likely benign (2). Last evaluated 2025-11-19.

Conditions:
Hereditary cancer-predisposing syndrome. Also called: Neoplastic Syndromes, Hereditary; Tumor predisposition; Hereditary Cancer Syndrome; Hereditary neoplastic syndrome. Identifiers: Orphanet 140162, MedGen C0027672, MeSH D009386, MONDO:0015356.
Oligodontia-cancer predisposition syndrome. Also called: TOOTH AGENESIS-COLORECTAL CANCER SYNDROME. Identifiers: Orphanet 300576, MedGen C1837750, MONDO:0012075, OMIM 608615. Disease mechanism: loss of function.

Allele frequency attached by ClinVar (database versions not stated): TOPMed 0.00001.

Submissions (3):

Labcorp Genetics (formerly Invitae), Labcorp
Classification: Likely benign for Oligodontia-cancer predisposition syndrome. Last evaluated: 2025-11-19. Review status: criteria provided, single submitter. Criteria: Invitae Variant Classification Sherloc (09022015). Collection method: clinical testing. Allele origin: germline.

Myriad Genetics, Inc.
Classification: Benign for Oligodontia-cancer predisposition syndrome. Last evaluated: 2024-07-11. Review status: criteria provided, single submitter. Criteria: Myriad Autosomal Dominant, Autosomal Recessive and X-Linked Classification Criteria (2023). Collection method: clinical testing. Allele origin: unknown.
Comment: This variant is considered benign. This variant is a silent/synonymous amino acid change and it is not expected to impact splicing.

Ambry Genetics
Classification: Likely benign for Hereditary cancer-predisposing syndrome. Last evaluated: 2019-11-05. Review status: criteria provided, single submitter. Criteria: Ambry Variant Classification Scheme 2023. Collection method: clinical testing. Allele origin: germline.

NM_004655.4(AXIN2):c.2448G>C (p.Ala816=)

Gene: AXIN2 (axin 2; minus strand). Cytogenetic location: 17q24.1.
Variant type: single nucleotide variant.
Coding change: c.2448G>C on transcript NM_004655.4 (MANE Select); coding-DNA position 2448, G replaced by C.
Protein change: p.Ala816=; no amino-acid change (alanine 816 retained).
Molecular consequence: synonymous variant.
Genome position (GRCh38, 1-based): chr17:65,530,060, C>G on the plus strand (G>C on the coding strand, the complement: AXIN2 is on the minus strand). VCF-style: chr17-65530060-C-G. GRCh37 (hg19) VCF-style: chr17-63526178-C-G.
Other names: c.2253G>C, p.Ala751= (NM_001363813.1).
Identifiers: ClinVar variation 821294 (VCV000821294.14), dbSNP rs752357462, ClinGen allele CA501475735.